The following is an entry in ClinVar:

NM_138694.4(PKHD1):c.5693A>G (p.Asn1898Ser)

Gene: PKHD1 (PKHD1 ciliary IPT domain containing fibrocystin/polyductin; minus strand). Cytogenetic location: 6p12.2.
Variant type: single nucleotide variant.
Coding change: c.5693A>G on transcript NM_138694.4 (MANE Select); coding-DNA position 5693, A replaced by G.
Protein change: p.Asn1898Ser; replaces asparagine 1898 with serine.
Molecular consequence: missense variant.
Genome position (GRCh38, 1-based): chr6:52,010,367, T>C on the plus strand (A>G on the coding strand, the complement: PKHD1 is on the minus strand). VCF-style: chr6-52010367-T-C. GRCh37 (hg19) VCF-style: chr6-51875165-T-C.
Other names: c.5693A>G, p.Asn1898Ser (NM_170724.3); short protein forms N1898S.
Identifiers: ClinVar variation 1962898 (VCV001962898.2), dbSNP rs753493590, ClinGen allele CA3852452.

ClinVar aggregate classification (germline): Uncertain significance (1 of 4 stars; one submission).

Conditions:
Autosomal recessive polycystic kidney disease (ARPKD). Also called: AR polycystic kidney disease. Identifiers: Orphanet 731, Orphanet 8378, MedGen C0085548, MeSH D017044, MONDO:0009889.

Allele frequency attached by ClinVar (database versions not stated): TOPMed below 0.00001; gnomAD exomes 0.00001; ExAC 0.00002.
gnomAD v4.1: 8 of 1,613,650 alleles (0.0005%); highest among the groups gnomAD compares: Non-Finnish European, 0.00059%; no homozygotes.

Submission:

Labcorp Genetics (formerly Invitae), Labcorp
Classification: Uncertain significance for Autosomal recessive polycystic kidney disease. Last evaluated: 2022-04-03. Review status: criteria provided, single submitter. Criteria: Invitae Variant Classification Sherloc (09022015). Collection method: clinical testing. Allele origin: germline.
Comment: This sequence change replaces asparagine, which is neutral and polar, with serine, which is neutral and polar, at codon 1898 of the PKHD1 protein (p.Asn1898Ser). This variant is present in population databases (rs753493590, gnomAD 0.003%). This variant has not been reported in the literature in individuals affected with PKHD1-related conditions. Advanced modeling of protein sequence and biophysical properties (such as structural, functional, and spatial information, amino acid conservation, physicochemical variation, residue mobility, and thermodynamic stability) performed at Invitae indicates that this missense variant is not expected to disrupt PKHD1 protein function. In summary, the available evidence is currently insufficient to determine the role of this variant in disease. Therefore, it has been classified as a Variant of Uncertain Significance.